The following is an entry in ClinVar:

NM_000138.5(FBN1):c.4567C>T (p.Arg1523Ter)

Gene: FBN1 (fibrillin 1; minus strand). Cytogenetic location: 15q21.1.
Variant type: single nucleotide variant.
Coding change: c.4567C>T on transcript NM_000138.5 (MANE Select); coding-DNA position 4567, C replaced by T.
Protein change: p.Arg1523Ter; replaces arginine 1523 with a stop codon.
Molecular consequence: nonsense.
Genome position (GRCh38, 1-based): chr15:48,468,427, G>A on the plus strand (C>T on the coding strand, the complement: FBN1 is on the minus strand). VCF-style: chr15-48468427-G-A. GRCh37 (hg19) VCF-style: chr15-48760624-G-A.
Other names: short protein forms R1523*.
Identifiers: ClinVar variation 42365 (VCV000042365.24), dbSNP rs397515812, ClinGen allele CA015204.

ClinVar aggregate classification (germline): Pathogenic/Likely pathogenic. Review status: criteria provided, multiple submitters, no conflicts (2 of 4 stars). 10 submissions from 10 submitters: Pathogenic (8); Likely pathogenic (1). 1 of the submissions does not count toward it. Last evaluated 2025-10-05.

Conditions:
Isolated thoracic aortic aneurysm.
Marfan syndrome (MFS). Also called: FBN1-Related Marfan Syndrome; Marfan syndrome, classic; MARFAN SYNDROME, TYPE I; Marfan syndrome type 1; Marfan's syndrome. Identifiers: Orphanet 284963, Orphanet 558, MedGen C0024796, MONDO:0007947, OMIM 154700.
Familial thoracic aortic aneurysm and aortic dissection (TAAD). Also called: Thoracic aortic aneurysms and dissections. Identifiers: Orphanet 91387, MedGen C4707243, MONDO:0019625.

gnomAD v4.1: 2 of 1,614,142 alleles (0.00012%); highest among the groups gnomAD compares: Non-Finnish European, 0.000085%; no homozygotes.

Submissions (10):

Clinical Biomedical Laboratory, Shriners Hospital For Children - Canada
Classification: Pathogenic for Marfan syndrome. Last evaluated: 2025-10-05. Review status: criteria provided, single submitter. Criteria: ACMG Guidelines, 2015. Collection method: clinical testing. Allele origin: germline. Affected: yes.
Comment: This variant is predicted to to substitute an arginine residue by a stop codon. This variant is extremely rare in Genome Aggregation Database (v2.1.1). This variant is expected to lead to nonsense-mediated decay and loss of function of the affected allele. Loss-of-function variants in FBN1 are known to be pathogenic (PMID: 25101912). This variant has been reported in the literature (PMID:25101912).

Labcorp Genetics (formerly Invitae), Labcorp
Classification: Pathogenic for Marfan syndrome; Familial thoracic aortic aneurysm and aortic dissection. Last evaluated: 2025-06-29. Review status: criteria provided, single submitter. Criteria: Invitae Variant Classification Sherloc (09022015). Collection method: clinical testing. Allele origin: germline.
Comment: This sequence change creates a premature translational stop signal (p.Arg1523*) in the FBN1 gene. It is expected to result in an absent or disrupted protein product. Loss-of-function variants in FBN1 are known to be pathogenic (PMID: 17657824, 19293843). This variant is present in population databases (rs397515812, gnomAD no frequency). This premature translational stop signal has been observed in individuals with Marfan syndrome (PMID: 10874320, 12068374). ClinVar contains an entry for this variant (Variation ID: 42365). For these reasons, this variant has been classified as Pathogenic.

GeneDx
Classification: Pathogenic. Last evaluated: 2023-01-17. Review status: criteria provided, single submitter. Criteria: GeneDx Variant Classification Process June 2021. Collection method: clinical testing. Allele origin: germline. Affected: yes.
Comment: Not observed at significant frequency in large population cohorts (gnomAD); Nonsense variant predicted to result in protein truncation or nonsense mediated decay in a gene for which loss of function is a known mechanism of disease; This variant is associated with the following publications: (PMID: 10874320, 25525159, 12068374, 31279664, 31447099, 23505274, 19159394, 31325479, 31730815, 34498425, 35943490, 19012347, 25101912, 33824467)

Ambry Genetics
Classification: Pathogenic for Familial thoracic aortic aneurysm and aortic dissection. Last evaluated: 2020-12-16. Review status: criteria provided, single submitter. Criteria: Ambry Variant Classification Scheme 2023. Collection method: clinical testing. Allele origin: germline.
Comment: The p.R1523* pathogenic mutation (also known as c.4567C>T), located in coding exon 36 of the FBN1 gene, results from a C to T substitution at nucleotide position 4567. This changes the amino acid from an arginine to a stop codon within coding exon 36. THis alteration has been reported in subjects with features of Marfan syndrome and has been reported as de novo (Youil R et al. Hum Mutat, 2000 Jul;16:92-3; Schrijver I et al. Am J Hum Genet, 2002 Aug;71:223-37; Rybczynski M et al. Am J Med Genet A, 2008 Dec;146A:3157-66; S&ouml;ylen B et al. Clin Genet, 2009 Mar;75:265-70). In addition to the clinical data presented in the literature, this alteration is expected to result in loss of function by premature protein truncation or nonsense-mediated mRNA decay. As such, this alteration is interpreted as a disease-causing mutation.

CHEO Genetics Diagnostic Laboratory, Children's Hospital of Eastern Ontario
Classification: Pathogenic for Familial thoracic aortic aneurysm and aortic dissection. Last evaluated: 2019-05-27. Review status: criteria provided, single submitter. Criteria: ACMG Guidelines, 2015. Collection method: clinical testing. Allele origin: germline. Study: Canadian Open Genetics Repository.

Department of Vascular Biology, Beijing Anzhen Hospital
Classification: Likely pathogenic for Isolated thoracic aortic aneurysm. Last evaluated: 2018-09-01. Review status: criteria provided, single submitter. Criteria: ACMG Guidelines, 2015. Collection method: research. Allele origin: germline. Affected: yes.

Laboratory for Molecular Medicine, Mass General Brigham Personalized Medicine
Classification: Pathogenic for Marfan syndrome. Last evaluated: 2018-04-20. Review status: criteria provided, single submitter. Criteria: LMM Criteria. Collection method: clinical testing. Allele origin: germline. Inheritance: Autosomal dominant inheritance. Observed: 2 variant alleles.
Comment: The p.Arg1523X variant in FBN1 has been reported in at least 6 individuals with clinical features of Marfan syndrome (Vandersteen 2013, Schrijver 2002, Baudhuin 2014, Soylen 2009, Youil 2000, LMM data) and has also been reported by other cl inical laboratories in ClinVar (Variation ID: 42365). It has been identified in 1/245856 chromosomes by the Genome Aggregation Database (gnomAD; dbSNP rs397515812). This nonsense variant leads to a prematur e termination codon at position 1523, which is predicted to lead to a truncated or absent protein. Heterozygous loss of function of the FBN1 gene is an establis hed disease mechanism in individuals with Marfan syndrome. In summary, this vari ant meets criteria to be classified as pathogenic for Marfan syndrome in an auto somal dominant manner based upon presence in multiple affected individuals and t he predicted impact on the protein. ACMG/AMP Criteria applied: PVS1, PS4.

Center for Human Genetics, Inc
Classification: Pathogenic for Marfan syndrome. Last evaluated: 2016-11-01. Review status: criteria provided, single submitter. Criteria: ACMG Guidelines, 2015. Collection method: clinical testing. Allele origin: germline. Affected: yes.

Juno Genomics, Hangzhou Juno Genomics, Inc
Classification: Pathogenic for Marfan syndrome. Review status: criteria provided, single submitter. Criteria: ACMG Guidelines, 2015. Collection method: clinical testing. Allele origin: germline. Affected: yes.
Comment: Null variant in a gene where loss of function (LOF) is a known mechanism of disease.;Absent from controls (or at extremely low frequency if recessive) in Genome Aggregation Database, Exome Sequencing Project, 1000 Genomes Project, or Exome Aggregation Consortium.;The prevalence of the variant in affected individuals is significantly increased compared to the prevalence in controls.;Assumed de novo, but without confirmation of paternity and maternity.

Center for Medical Genetics Ghent, University of Ghent
Classification: Pathogenic for Marfan syndrome. Last evaluated: 2017-11-07. Review status: no assertion criteria provided. Collection method: clinical testing. Allele origin: germline. Affected: yes. Not counted in ClinVar's aggregate classification.

Literature cited by the submitters: PubMed 25101912 (cited by Clinical Biomedical Laboratory, Shriners Hospital For Children - Canada and Laboratory for Molecular Medicine, Mass General Brigham Personalized Medicine); PubMed 17657824 (cited by Labcorp Genetics (formerly Invitae), Labcorp); PubMed 19293843 (cited by Labcorp Genetics (formerly Invitae), Labcorp); PubMed 10874320 (cited by 3 submitters); PubMed 12068374 (cited by 3 submitters); PubMed 19012347 (cited by Ambry Genetics); PubMed 19159394 (cited by Ambry Genetics and Laboratory for Molecular Medicine, Mass General Brigham Personalized Medicine); PubMed 23505274 (cited by Laboratory for Molecular Medicine, Mass General Brigham Personalized Medicine).